The following is an entry in ClinVar:

NM_025114.4(CEP290):c.6270+1G>T

Gene: CEP290 (centrosomal protein 290; minus strand). Cytogenetic location: 12q21.32.
Variant type: single nucleotide variant.
Coding change: c.6270+1G>T on transcript NM_025114.4 (MANE Select); the canonical splice donor site of the intron after coding-DNA position 6270, G replaced by T.
Molecular consequence: splice donor variant.
Genome position (GRCh38, 1-based): chr12:88,063,980, C>A on the plus strand (G>T on the coding strand, the complement: CEP290 is on the minus strand). VCF-style: chr12-88063980-C-A. GRCh37 (hg19) VCF-style: chr12-88457757-C-A.
Other names: c.6270+1G>T (NM_025114.3).
Identifiers: ClinVar variation 2680634 (VCV002680634.5), dbSNP rs1237799214, ClinGen allele CA385979508.

ClinVar aggregate classification (germline): Likely pathogenic. Review status: criteria provided, multiple submitters, no conflicts (2 of 4 stars). 3 submissions from 3 submitters: Likely pathogenic (3). Last evaluated 2025-05-07.

Conditions:
Joubert syndrome. Also called: Familial aplasia of the vermis; JOUBERT-BOLTSHAUSER SYNDROME. Identifiers: Orphanet 475, MedGen C5979921, MONDO:0018772.
Nephronophthisis. Also called: Juvenile Nephronophthisis. Identifiers: Orphanet 655, MedGen C0687120, MONDO:0019005, HP:0000090.
Meckel-Gruber syndrome. Also called: DYSENCEPHALIA SPLANCHNOCYSTICA; Dysencephalia splachnocystica; GRUBER SYNDROME. Identifiers: Orphanet 564, MedGen C0265215, MONDO:0018921.
Bardet-Biedl syndrome 14 (BBS14). Identifiers: Orphanet 110, MedGen C2673874, MONDO:0014442, OMIM 615991.
CEP290-related disorder. Also called: CEP290-related disorders; CEP290-related condition. Identifiers: MedGen CN239314.

Allele frequency attached by ClinVar (database versions not stated): gnomAD exomes below 0.00001; TOPMed below 0.00001.
gnomAD v4.1: 1 of 1,592,918 alleles (0.000063%); highest among the groups gnomAD compares: Admixed American, 0.0018%; no homozygotes.

Submissions (3):

PreventionGenetics, part of Exact Sciences
Classification: Likely pathogenic for CEP290-related condition. Last evaluated: 2025-05-07. Review status: criteria provided, single submitter. Criteria: ACMG Guidelines, 2015. Collection method: clinical testing. Allele origin: germline.
Comment: The CEP290 c.6270+1G>T variant is predicted to disrupt the GT donor site and interfere with normal splicing. To our knowledge, this variant has not been reported in the literature. This variant is reported in 0.0032% of alleles in individuals of Latino descent in gnomAD. Variants that disrupt the consensus splice donor site in CEP290 are expected to be pathogenic. This variant is interpreted as likely pathogenic.

Labcorp Genetics (formerly Invitae), Labcorp
Classification: Likely pathogenic for Joubert syndrome; Meckel-Gruber syndrome; Nephronophthisis. Last evaluated: 2023-02-28. Review status: criteria provided, single submitter. Criteria: Invitae Variant Classification Sherloc (09022015). Collection method: clinical testing. Allele origin: germline.
Comment: In summary, the currently available evidence indicates that the variant is pathogenic, but additional data are needed to prove that conclusively. Therefore, this variant has been classified as Likely Pathogenic. This sequence change affects a donor splice site in intron 45 of the CEP290 gene. It is expected to disrupt RNA splicing. Variants that disrupt the donor or acceptor splice site typically lead to a loss of protein function (PMID: 16199547), and loss-of-function variants in CEP290 are known to be pathogenic (PMID: 16909394, 17345604, 20690115). The frequency data for this variant in the population databases is considered unreliable, as metrics indicate poor data quality at this position in the gnomAD database. This variant has not been reported in the literature in individuals affected with CEP290-related conditions. Algorithms developed to predict the effect of sequence changes on RNA splicing suggest that this variant may disrupt the consensus splice site.

Baylor Genetics
Classification: Likely pathogenic for Bardet-Biedl syndrome 14. Last evaluated: 2023-02-12. Review status: criteria provided, single submitter. Criteria: ACMG Guidelines, 2015. Collection method: clinical testing. Allele origin: unknown.

Literature cited by the submitters: PubMed 16199547 (cited by Labcorp Genetics (formerly Invitae), Labcorp); PubMed 16909394 (cited by Labcorp Genetics (formerly Invitae), Labcorp); PubMed 17345604 (cited by Labcorp Genetics (formerly Invitae), Labcorp); PubMed 20690115 (cited by Labcorp Genetics (formerly Invitae), Labcorp).